The following is an entry in ClinVar:

NM_000944.5(PPP3CA):c.1242-14_1242-12del

Gene: PPP3CA (protein phosphatase 3 catalytic subunit alpha; minus strand). Cytogenetic location: 4q24.
Variant type: Deletion.
Coding change: c.1242-14_1242-12del on transcript NM_000944.5 (MANE Select); 14 bases into the intron before coding-DNA position 1242 through 12 bases into the intron before coding-DNA position 1242, 3 bases deleted (ATT; older notation c.1242-14_1242-12delATT).
Molecular consequence: intron variant.
Genome position (GRCh38, 1-based): chr4:101,032,376-101,032,378, AAT deleted on the plus strand (ATT on the coding strand, the reverse complement: PPP3CA is on the minus strand). VCF-style (leftmost placement, unchanged base first): chr4-101032375-CAAT-C. GRCh37 (hg19) VCF-style: chr4-101953532-CAAT-C.
Other names: c.1116-14_1116-12del (NM_001130692.2); c.1242-14_1242-12del (NM_001130691.2).
Identifiers: ClinVar variation 2026132 (VCV002026132.5), dbSNP rs2476210224, ClinGen allele CA2580071252.

ClinVar aggregate classification (germline): Uncertain significance. Review status: criteria provided, multiple submitters, no conflicts (2 of 4 stars). 2 submissions from 2 submitters: Uncertain significance (2). Last evaluated 2023-04-17.

Submissions (2):

GeneDx
Classification: Uncertain significance. Last evaluated: 2023-04-17. Review status: criteria provided, single submitter. Criteria: GeneDx Variant Classification Process June 2021. Collection method: clinical testing. Allele origin: germline. Affected: yes.
Comment: Not observed at significant frequency in large population cohorts (gnomAD); In silico analysis supports that this variant does not alter splicing; Has not been previously published as pathogenic or benign to our knowledge

Labcorp Genetics (formerly Invitae), Labcorp
Classification: Uncertain significance. Last evaluated: 2022-08-22. Review status: criteria provided, single submitter. Criteria: Invitae Variant Classification Sherloc (09022015). Collection method: clinical testing. Allele origin: germline.
Comment: In summary, the available evidence is currently insufficient to determine the role of this variant in disease. Therefore, it has been classified as a Variant of Uncertain Significance. Algorithms developed to predict the effect of sequence changes on RNA splicing suggest that this variant may create or strengthen a splice site. This variant has not been reported in the literature in individuals affected with PPP3CA-related conditions. This variant is not present in population databases (gnomAD no frequency). This sequence change falls in intron 11 of the PPP3CA gene. It does not directly change the encoded amino acid sequence of the PPP3CA protein.